The following is an entry in ClinVar:

NM_003482.4(KMT2D):c.2232_2258dup (p.746RPEEPHLSP[3])

Gene: KMT2D (lysine methyltransferase 2D; minus strand). Cytogenetic location: 12q13.12.
Variant type: Duplication.
Coding change: c.2232_2258dup on transcript NM_003482.4 (MANE Select); coding-DNA positions 2232 to 2258, 27 bases duplicated (ACCCCGGCCTGAGGAGCCGCACCTGTC).
Protein change: p.746RPEEPHLSP[3].
Molecular consequence: inframe insertion.
Genome position (GRCh38, 1-based): chr12:49,051,425-49,051,451, GACAGGTGCGGCTCCTCAGGCCGGGGT duplicated on the plus strand (ACCCCGGCCTGAGGAGCCGCACCTGTC on the coding strand, the reverse complement: KMT2D is on the minus strand); duplicating any 27 consecutive bases within chr12:49,051,425-49,051,463 gives the same sequence; the c. name uses the placement nearest the transcript's 3' end. VCF-style (leftmost placement, unchanged base first): chr12-49051424-G-GGACAGGTGCGGCTCCTCAGGCCGGGGT. GRCh37 (hg19) VCF-style: chr12-49445207-G-GGACAGGTGCGGCTCCTCAGGCCGGGGT.
Other names: c.2232_2258dupACCCCGGCCTGAGGAGCCGCACCTGTC (NM_003482.3).
Identifiers: ClinVar variation 430249 (VCV000430249.3), dbSNP rs398123736, ClinGen allele CA6548304.

ClinVar aggregate classification (germline): Uncertain significance. Review status: criteria provided, multiple submitters, no conflicts (2 of 4 stars). 2 submissions from 2 submitters: Uncertain significance (2). Last evaluated 2024-04-08.

Conditions:
Kabuki syndrome 1 (KABUK1). Also called: KMT2D-Related Kabuki Syndrome. Identifiers: Orphanet 2322, MedGen CN030661, MONDO:0007843, OMIM 147920.
Choanal atresia-athelia-hypothyroidism-delayed puberty-short stature syndrome (BCAHH). Also called: BRANCHIAL ARCH ABNORMALITIES, CHOANAL ATRESIA, ATHELIA, HEARING LOSS, AND HYPOTHYROIDISM SYNDROME. Identifiers: Orphanet 589856, MedGen C5680310, MONDO:0035651, OMIM 620186.

Submissions (2):

Fulgent Genetics
Classification: Uncertain significance for Kabuki syndrome 1; Choanal atresia-athelia-hypothyroidism-delayed puberty-short stature syndrome. Last evaluated: 2024-04-08. Review status: criteria provided, single submitter. Criteria: ACMG Guidelines, 2015. Collection method: clinical testing. Allele origin: germline.

GeneDx
Classification: Uncertain significance. Last evaluated: 2017-05-23. Review status: criteria provided, single submitter. Criteria: GeneDx Variant Classification (06012015). Collection method: clinical testing. Allele origin: germline. Affected: yes.
Comment: The c.2232_2258dup27 variant in the KMT2D gene has not been reported previously as a pathogenic variant nor as a benign variant, to our knowledge. The c.2232_2258dup27 variant causes an in frame duplication of nine amino acids from codon Arginine 755 to codon Proline 763, denoted p.Arg755_Pro763dup. The c.2232_2258dup27 variant is not observed in large population cohorts (Lek et al., 2016; 1000 Genomes Consortium et al., 2015; Exome Variant Server). We interpret c.2232_2258dup27 as a variant of uncertain significance.